The following is an entry in ClinVar:

NM_080424.4(SP110):c.8C>T (p.Thr3Ile)

Genes: SP110 (SP110 nuclear body protein; minus strand), SP140 (SP140 nuclear body protein; plus strand). Cytogenetic location: 2q37.1.
Variant type: single nucleotide variant.
Coding change: c.8C>T on transcript NM_080424.4 (MANE Select); coding-DNA position 8, C replaced by T.
Protein change: p.Thr3Ile; replaces threonine 3 with isoleucine.
Molecular consequence: missense variant.
Genome position (GRCh38, 1-based): chr2:230,216,920, G>A on the plus strand (C>T on the coding strand, the complement: SP110 is on the minus strand). VCF-style: chr2-230216920-G-A. GRCh37 (hg19) VCF-style: chr2-231081635-G-A.
Other names: c.26C>T, p.Thr9Ile (NM_001185015.2, NM_001378442.1, NM_001378444.1 and 2 more transcripts); c.8C>T, p.Thr3Ile (NM_001378443.1, NM_001378447.1, NM_004509.5 and 1 more transcripts); short protein forms T3I, T9I.
Identifiers: ClinVar variation 2102537 (VCV002102537.1), dbSNP rs1162297857, ClinGen allele CA350919191.

ClinVar aggregate classification (germline): Uncertain significance (1 of 4 stars; one submission).

Conditions:
Hepatic veno-occlusive disease-immunodeficiency syndrome. Also called: Hepatic Veno-Occlusive Disease with Immunodeficiency. Identifiers: Orphanet 79124, MedGen C1856128, MONDO:0009338, OMIM 235550. Disease mechanism: loss of function.

Allele frequency attached by ClinVar (database versions not stated): gnomAD 0.00001.
gnomAD v4.1: 1 of 1,613,424 alleles (0.000062%); highest among the groups gnomAD compares: Admixed American, 0.0017%; no homozygotes.

Submission:

Labcorp Genetics (formerly Invitae), Labcorp
Classification: Uncertain significance for Hepatic veno-occlusive disease-immunodeficiency syndrome. Last evaluated: 2022-03-17. Review status: criteria provided, single submitter. Criteria: Invitae Variant Classification Sherloc (09022015). Collection method: clinical testing. Allele origin: germline.
Comment: This sequence change replaces threonine, which is neutral and polar, with isoleucine, which is neutral and non-polar, at codon 3 of the SP110 protein (p.Thr3Ile). This variant is present in population databases (no rsID available, gnomAD 0.003%). This variant has not been reported in the literature in individuals affected with SP110-related conditions. Algorithms developed to predict the effect of missense changes on protein structure and function output the following: SIFT: "Deleterious"; PolyPhen-2: "Possibly Damaging"; Align-GVGD: "Class C0". The isoleucine amino acid residue is found in multiple mammalian species, which suggests that this missense change does not adversely affect protein function. In summary, the available evidence is currently insufficient to determine the role of this variant in disease. Therefore, it has been classified as a Variant of Uncertain Significance.